The following is an entry in ClinVar:

ClinVar aggregate classification (germline): Uncertain significance. Review status: reviewed by expert panel (3 of 4 stars). 2 submissions from 2 submitters: Uncertain significance (1). 1 of the submissions does not count toward it. Last evaluated 2025-08-01.

Conditions:
Malignant hyperthermia of anesthesia. Also called: Anesthesic-triggered malignant hyperthermia. Identifiers: Orphanet 423, MedGen C0024591, MONDO:0018493, HP:0034733.

Submissions (2):

ClinGen Malignant Hyperthermia Susceptibility Variant Curation Expert Panel, ClinGen
Classification: Uncertain significance for Malignant hyperthermia of anesthesia. Last evaluated: 2025-08-01. Review status: reviewed by expert panel. Criteria: ClinGen MHS ACMG Specifications V2. Collection method: curation. Allele origin: germline. Inheritance: Autosomal dominant inheritance.
Comment: This pathogenicity assessment is relevant only for malignant hyperthermia susceptibility (MHS) inherited in an autosomal dominant pattern. Variants in RYR1 can also cause other myopathies inherited in an autosomal dominant pattern or in an autosomal recessive pattern. Some of these disorders may predispose individuals to malignant hyperthermia. RYR1 variants may also contribute to a malignant hyperthermia reaction in combination with other genetic and non-genetic factors and the clinician needs to consider such factors in making management decisions. This sequence variant predicts a substitution of alanine with threonine at codon 4894 of the RYR1 protein, p.Ala4894Thr. This variant was not present in a large population database (gnomAD) at the time this variant was interpreted. This variant was reported in an individual with a personal or family history of an MH episode without a positive in vitro contracture test (IVCT) or caffeine halothane contracture test (CHCT) result (PMID:16732084), PS4 was not met. Functional study in HEK293 cells shows an increased sensitivity to RYR1 agonists, PS3_Moderate (PMID:21926372, PMID:33490280). This variant resides in a region of RYR1 considered to be a hotspot for pathogenic variants that contribute to MHS, PM1_Supporting (PMID: 21118704). A REVEL score >0.85 (0.922) supports a pathogenic status for this variant, PP3_Moderate. This variant has been classified as a Variant of Uncertain Significance. Criteria implemented: PS3_Moderate, PM1_Supporting, PP3_Moderate.

RYR1 database
No classification provided. Review status: no classification provided. Collection method: not provided. Allele origin: unknown. Not counted in ClinVar's aggregate classification.

NM_000540.3(RYR1):c.14680G>A (p.Ala4894Thr)

Gene: RYR1 (ryanodine receptor 1; plus strand). Cytogenetic location: 19q13.2.
Variant type: single nucleotide variant.
Coding change: c.14680G>A on transcript NM_000540.3 (MANE Select); coding-DNA position 14680, G replaced by A.
Protein change: p.Ala4894Thr; replaces alanine 4894 with threonine.
Molecular consequence: missense variant.
Genome position (GRCh38, 1-based): chr19:38,584,976, G>A. VCF-style: chr19-38584976-G-A. GRCh37 (hg19) VCF-style: chr19-39075616-G-A.
Other names: NM_000540.2(RYR1):c.14680G>A; p.Ala4894Thr; c.14665G>A, p.Ala4889Thr (NM_001042723.2); short protein forms A4894T, A4889T.
Identifiers: ClinVar variation 133087 (VCV000133087.4), dbSNP rs193922888, ClinGen allele CA024225.
Genomic context (GRCh38, chr19:38,584,976, plus strand): 5'-AGTGACCAGTGTGCTCCCCTCCCTCAGTGTTACCTGTTTCACATGTACGTGGGTGTCCGG[G>A]CTGGCGGAGGCATTGGGGACGAGATCGAGGACCCCGCGGGTGACGAATACGAGCTCTACA-3'
Protein context (NP_000531.2, residues 4884-4904): YLFHMYVGVR[Ala4894Thr]GGGIGDEIED